The following is an entry in ClinVar:

ClinVar aggregate classification (germline): Uncertain significance (1 of 4 stars; one submission).

Allele frequency attached by ClinVar (database versions not stated): gnomAD exomes below 0.00001; ExAC 0.00001.
gnomAD v4.1: 4 of 1,613,320 alleles (0.00025%); highest among the groups gnomAD compares: Non-Finnish European, 0.00017%; no homozygotes.

Submission:

Laboratorio de Genetica e Diagnostico Molecular, Hospital Israelita Albert Einstein
Classification: Uncertain significance. Last evaluated: 2019-03-02. Review status: criteria provided, single submitter. Criteria: ACMG Guidelines, 2015. Collection method: clinical testing. Allele origin: germline. Affected: yes.
Comment: ACMG classification criteria: PM1, PM2

NM_000316.3(PTH1R):c.1434A>C (p.Thr478=)

Gene: PTH1R (parathyroid hormone 1 receptor; plus strand). Cytogenetic location: 3p21.31.
Variant type: single nucleotide variant.
Coding change: c.1434A>C on transcript NM_000316.3 (MANE Select); coding-DNA position 1434, A replaced by C.
Protein change: p.Thr478=; no amino-acid change (threonine 478 retained).
Molecular consequence: synonymous variant.
Genome position (GRCh38, 1-based): chr3:46,903,308, A>C. VCF-style: chr3-46903308-A-C. GRCh37 (hg19) VCF-style: chr3-46944798-A-C.
Other names: c.1434A>C, p.Thr478= (NM_001184744.1).
Identifiers: ClinVar variation 1690708 (VCV001690708.2), dbSNP rs757107998, ClinGen allele CA2359563.